The following is an entry in ClinVar:

NM_001282717.2(STAG3):c.3239-1726G>A

Gene: STAG3 (STAG3 cohesin complex component; plus strand). Cytogenetic location: 7q22.1.
Variant type: single nucleotide variant.
Coding change: c.3239-1726G>A on transcript NM_001282717.2 (MANE Select); 1726 bases into the intron before coding-DNA position 3239, G replaced by A.
Molecular consequence: intron variant. On other transcripts: non-coding transcript variant (1).
Genome position (GRCh38, 1-based): chr7:100,209,285, G>A. VCF-style: chr7-100209285-G-A. GRCh37 (hg19) VCF-style: chr7-99806908-G-A.
Other names: c.3239-1726G>A (NM_001282716.1, NM_012447.4, NM_001375438.1); c.3065-1726G>A (NM_001282718.2).
Identifiers: ClinVar variation 4875459 (VCV004875459.2).

ClinVar aggregate classification (germline): Uncertain significance (1 of 4 stars; one submission).

gnomAD v4.1: 6 of 152,156 alleles (0.0039%); highest among the groups gnomAD compares: Non-Finnish European, 0.0088%; no homozygotes.

Submission:

CeGaT Center for Human Genetics Tuebingen
Classification: Uncertain significance. Last evaluated: 2026-04-01. Review status: criteria provided, single submitter. Criteria: CeGaT Center For Human Genetics Tuebingen Variant Classification Criteria Version 2. Collection method: clinical testing. Allele origin: germline. Affected: yes. Observed: 1 variant allele.
Comment: STAG3: PM2, BP4